The following is an entry in ClinVar:

ClinVar aggregate classification (germline): Uncertain significance (1 of 4 stars; one submission).

Submission:

GeneDx
Classification: Uncertain significance. Last evaluated: 2026-03-24. Review status: criteria provided, single submitter. Criteria: GeneDx Variant Classification Process June 2021. Collection method: clinical testing. Allele origin: germline.
Comment: Not observed at significant frequency in large population cohorts (gnomAD); In silico analysis supports that this missense variant has a deleterious effect on protein structure/function; Has not been previously published as pathogenic or benign to our knowledge

NM_016648.4(LARP7):c.149A>T (p.Asn50Ile)

Gene: LARP7 (La ribonucleoprotein 7, transcriptional regulator; plus strand). Cytogenetic location: 4q25.
Variant type: single nucleotide variant.
Coding change: c.149A>T on transcript NM_016648.4 (MANE Select); coding-DNA position 149, A replaced by T.
Protein change: p.Asn50Ile; replaces asparagine 50 with isoleucine.
Molecular consequence: missense variant. On other transcripts: intron variant (2).
Genome position (GRCh38, 1-based): chr4:112,644,818, A>T. VCF-style: chr4-112644818-A-T. GRCh37 (hg19) VCF-style: chr4-113565974-A-T.
Other names: c.149A>T, p.Asn50Ile (NM_001267039.4, NM_001370974.1, NM_001370975.1 and 6 more transcripts); c.-36+50A>T (NM_001370982.1, NM_001370981.1); short protein forms N50I.
Identifiers: ClinVar variation 5016943 (VCV005016943.1).
Genomic context (GRCh38, chr4:112,644,818, plus strand): 5'-GAGTTAAACAGGTGCTTGCAGATATTGCTAAGCAAGTGGACTTCTGGTTTGGGGATGCAA[A>T]TCTTCACAAGGATAGATTTCTTCGAGAACAGATAGAAAAATCTAGAGATGGATGTAAGTT-3'
Protein context (NP_057732.2, residues 40-60): KQVDFWFGDA[Asn50Ile]LHKDRFLREQ